The following is an entry in ClinVar:

ClinVar aggregate classification (germline): Uncertain significance (1 of 4 stars; one submission).

Conditions:
Familial cancer of breast. Also called: hereditary breast carcinoma; Hereditary breast cancer; BREAST CANCER, FAMILIAL. Identifiers: Orphanet 227535, MedGen C0346153, MONDO:0016419, OMIM 114480. Disease mechanism: loss of function.

Submission:

Labcorp Genetics (formerly Invitae), Labcorp
Classification: Uncertain significance for Familial cancer of breast. Last evaluated: 2021-07-19. Review status: criteria provided, single submitter. Criteria: Invitae Variant Classification Sherloc (09022015). Collection method: clinical testing. Allele origin: germline.
Comment: In summary, the available evidence is currently insufficient to determine the role of this variant in disease. Therefore, it has been classified as a Variant of Uncertain Significance. Algorithms developed to predict the effect of missense changes on protein structure and function are either unavailable or do not agree on the potential impact of this missense change (SIFT: "Tolerated"; PolyPhen-2: "Probably Damaging"; Align-GVGD: "Class C0"). This variant has not been reported in the literature in individuals affected with BARD1-related conditions. This variant is not present in population databases (ExAC no frequency). This sequence change replaces leucine with isoleucine at codon 107 of the BARD1 protein (p.Leu107Ile). The leucine residue is highly conserved and there is a small physicochemical difference between leucine and isoleucine.

NM_000465.4(BARD1):c.319C>A (p.Leu107Ile)

Gene: BARD1 (BRCA1 associated RING domain 1; minus strand). Cytogenetic location: 2q35.
Variant type: single nucleotide variant.
Coding change: c.319C>A on transcript NM_000465.4 (MANE Select); coding-DNA position 319, C replaced by A.
Protein change: p.Leu107Ile; replaces leucine 107 with isoleucine.
Molecular consequence: missense variant. On other transcripts: non-coding transcript variant (1), intron variant (2).
Genome position (GRCh38, 1-based): chr2:214,792,342, G>T on the plus strand (C>A on the coding strand, the complement: BARD1 is on the minus strand). VCF-style: chr2-214792342-G-T. GRCh37 (hg19) VCF-style: chr2-215657066-G-T.
Other names: c.262C>A, p.Leu88Ile (NM_001282543.2); c.319C>A, p.Leu107Ile (NM_001282549.2); c.158+17070C>A (NM_001282548.2); c.215+4719C>A (NM_001282545.2); short protein forms L88I, L107I.
Identifiers: ClinVar variation 1354529 (VCV001354529.9), dbSNP rs2106134624, ClinGen allele CA350460906.